The following is an entry in ClinVar:

NM_001164508.2(NEB):c.24394-1G>C

Genes: NEB (nebulin; minus strand), RIF1 (replication timing regulatory factor 1; plus strand). Cytogenetic location: 2q23.3.
Variant type: single nucleotide variant.
Coding change: c.24394-1G>C on transcript NM_001164508.2 (MANE Select); the canonical splice acceptor site of the intron before coding-DNA position 24394, G replaced by C.
Molecular consequence: splice acceptor variant.
Genome position (GRCh38, 1-based): chr2:151,496,369, C>G on the plus strand (G>C on the coding strand, the complement: NEB is on the minus strand). VCF-style: chr2-151496369-C-G. GRCh37 (hg19) VCF-style: chr2-152352883-C-G.
Other names: c.18826-1G>C (NM_004543.5); c.24394-1G>C (NM_001164507.2); c.24499-1G>C (NM_001271208.2).
Identifiers: ClinVar variation 1972251 (VCV001972251.6), dbSNP rs1421095081, ClinGen allele CA348778448.

ClinVar aggregate classification (germline): Likely pathogenic (1 of 4 stars; one submission).

Conditions:
Nemaline myopathy 2 (NEM2). Also called: Nemaline myopathy 2, autosomal recessive. Identifiers: MedGen C1850569, MONDO:0009725, OMIM 256030.

Submissions (2):

Labcorp Genetics (formerly Invitae), Labcorp
Classification: Likely pathogenic for Nemaline myopathy 2. Last evaluated: 2026-01-18. Review status: criteria provided, single submitter. Criteria: Invitae Variant Classification Sherloc (09022015). Collection method: clinical testing. Allele origin: germline.
Comment: This sequence change affects an acceptor splice site in intron 173 of the NEB gene. It is expected to disrupt RNA splicing. Variants that disrupt the donor or acceptor splice site typically lead to a loss of protein function (PMID: 16199547), and loss-of-function variants in NEB are known to be pathogenic (PMID: 25205138). This variant is not present in population databases (gnomAD no frequency). This variant has not been reported in the literature in individuals affected with NEB-related conditions. ClinVar contains an entry for this variant (Variation ID: 1972251). Algorithms developed to predict the effect of sequence changes on RNA splicing suggest that this variant may disrupt the consensus splice site. In summary, the currently available evidence indicates that the variant is pathogenic, but additional data are needed to prove that conclusively. Therefore, this variant has been classified as Likely Pathogenic.

Dr. Peter K. Rogan Lab, Western University
No classification provided (evidence only). Condition: Ovarian serous cystadenocarcinoma. Review status: no classification provided. Collection method: in vitro. Allele origin: not applicable. Functional consequence: retained intron. Not counted in ClinVar's aggregate classification.

Literature cited by the submitters: PubMed 16199547 (cited by Labcorp Genetics (formerly Invitae), Labcorp); PubMed 25205138 (cited by Labcorp Genetics (formerly Invitae), Labcorp).